The following is an entry in ClinVar:

ClinVar aggregate classification (germline): Uncertain significance. Review status: criteria provided, multiple submitters, no conflicts (2 of 4 stars). 4 submissions from 4 submitters: Uncertain significance (4). Last evaluated 2025-10-11.

Allele frequency attached by ClinVar (database versions not stated): gnomAD 0.00001 and 0.00002; ExAC 0.00003; TOPMed 0.00005; 1000 Genomes Project 30x 0.00016; 1000 Genomes Project 0.00020.
gnomAD v4.1: 40 of 1,612,970 alleles (0.0025%); highest among the groups gnomAD compares: South Asian, 0.0088%; no homozygotes.

Submissions (4):

Labcorp Genetics (formerly Invitae), Labcorp
Classification: Uncertain significance. Last evaluated: 2025-10-11. Review status: criteria provided, single submitter. Criteria: Invitae Variant Classification Sherloc (09022015). Collection method: clinical testing. Allele origin: germline.
Comment: This sequence change replaces proline, which is neutral and non-polar, with leucine, which is neutral and non-polar, at codon 1344 of the COL11A1 protein (p.Pro1344Leu). This variant is present in population databases (rs528959090, gnomAD 0.006%). This variant has not been reported in the literature in individuals affected with COL11A1-related conditions. ClinVar contains an entry for this variant (Variation ID: 1218109). Experimental studies and prediction algorithms are not available or were not evaluated, and the functional significance of this variant is currently unknown. In summary, the available evidence is currently insufficient to determine the role of this variant in disease. Therefore, it has been classified as a Variant of Uncertain Significance.

Revvity Omics, Revvity
Classification: Uncertain significance. Last evaluated: 2024-11-21. Review status: criteria provided, single submitter. Criteria: ACMG Guidelines, 2015. Collection method: clinical testing. Allele origin: germline.

GeneDx
Classification: Uncertain significance. Last evaluated: 2023-07-24. Review status: criteria provided, single submitter. Criteria: GeneDx Variant Classification Process June 2021. Collection method: clinical testing. Allele origin: germline. Affected: yes.
Comment: Has not been previously published as pathogenic or benign to our knowledge; In silico analysis supports that this missense variant has a deleterious effect on protein structure/function

Blueprint Genetics
Classification: Uncertain significance. Last evaluated: 2020-05-19. Review status: criteria provided, single submitter. Criteria: ACMG Guidelines, 2015. Collection method: clinical testing. Allele origin: germline.

NM_001854.4(COL11A1):c.4031C>T (p.Pro1344Leu)

Gene: COL11A1 (collagen type XI alpha 1 chain; minus strand). Cytogenetic location: 1p21.1.
Variant type: single nucleotide variant.
Coding change: c.4031C>T on transcript NM_001854.4 (MANE Select); coding-DNA position 4031, C replaced by T.
Protein change: p.Pro1344Leu; replaces proline 1344 with leucine.
Molecular consequence: missense variant. On other transcripts: non-coding transcript variant (1).
Genome position (GRCh38, 1-based): chr1:102,913,638, G>A on the plus strand (C>T on the coding strand, the complement: COL11A1 is on the minus strand). VCF-style: chr1-102913638-G-A. GRCh37 (hg19) VCF-style: chr1-103379194-G-A.
Other names: c.3914C>T, p.Pro1305Leu (NM_001190709.2); c.4067C>T, p.Pro1356Leu (NM_080629.3); c.3683C>T, p.Pro1228Leu (NM_080630.4); short protein forms P1228L, P1305L, P1344L, P1356L.
Identifiers: ClinVar variation 1218109 (VCV001218109.16), dbSNP rs528959090, ClinGen allele CA973722.
Genomic context (GRCh38, chr1:102,913,638, plus strand): 5'-TCATTAAAATGCCTTGAGACTATGTAAAAACTTAAAAATAAATTAGTGCATTTACTCACC[G>A]GTTGACCAGGATCTCCATCTTCACCCTTGTCACCACCAACACCATCTTGACCCTATAAGA-3'
Protein context (NP_001845.3, residues 1334-1354): DKGEDGDPGQ[Pro1344Leu]GPPGPSGEAG